The following is an entry in ClinVar:

ClinVar aggregate classification (germline): Uncertain significance. Review status: criteria provided, multiple submitters, no conflicts (2 of 4 stars). 2 submissions from 2 submitters: Uncertain significance (2). Last evaluated 2024-02-04.

Conditions:
Acrocallosal syndrome (ACLS). Also called: HALLUX DUPLICATION, POSTAXIAL POLYDACTYLY, AND ABSENCE OF CORPUS CALLOSUM; Schinzel syndrome 1; Absence of corpus callosum with unusual facial appearance, mental deficiency, duplication of the halluces and polydactyly. Identifiers: Orphanet 36, MedGen C0796147, MONDO:0008708, OMIM 200990.
Multiple epiphyseal dysplasia, Al-Gazali type. Also called: Macrocephaly with multiple epiphyseal dysplasia and distinctive facies. Identifiers: Orphanet 166024, MedGen C1846722, MONDO:0011778, OMIM 607131.
Hydrolethalus syndrome 2 (HLS2). Identifiers: Orphanet 2189, MedGen C3279899, MONDO:0013585, OMIM 614120.

Allele frequency attached by ClinVar (database versions not stated): ExAC 0.00002; gnomAD exomes 0.00002; gnomAD 0.00003 and 0.00004; TOPMed 0.00005; ESP Exome Variant Server 0.00008.
gnomAD v4.1: 32 of 1,607,878 alleles (0.002%); highest among the groups gnomAD compares: East Asian, 0.0089%; no homozygotes.

Submissions (2):

Fulgent Genetics
Classification: Uncertain significance for Acrocallosal syndrome; Multiple epiphyseal dysplasia, Al-Gazali type; Hydrolethalus syndrome 2. Last evaluated: 2024-02-04. Review status: criteria provided, single submitter. Criteria: ACMG Guidelines, 2015. Collection method: clinical testing. Allele origin: germline.

Labcorp Genetics (formerly Invitae), Labcorp
Classification: Uncertain significance for Acrocallosal syndrome. Last evaluated: 2022-08-09. Review status: criteria provided, single submitter. Criteria: Invitae Variant Classification Sherloc (09022015). Collection method: clinical testing. Allele origin: germline.
Comment: This sequence change replaces arginine, which is basic and polar, with histidine, which is basic and polar, at codon 729 of the KIF7 protein (p.Arg729His). This variant is present in population databases (rs142420701, gnomAD 0.01%). This variant has not been reported in the literature in individuals affected with KIF7-related conditions. ClinVar contains an entry for this variant (Variation ID: 834241). Algorithms developed to predict the effect of missense changes on protein structure and function are either unavailable or do not agree on the potential impact of this missense change (SIFT: "Deleterious"; PolyPhen-2: "Possibly Damaging"; Align-GVGD: "Class C0"). In summary, the available evidence is currently insufficient to determine the role of this variant in disease. Therefore, it has been classified as a Variant of Uncertain Significance.

NM_198525.3(KIF7):c.2186G>A (p.Arg729His)

Gene: KIF7 (kinesin family member 7; minus strand). Cytogenetic location: 15q26.1.
Variant type: single nucleotide variant.
Coding change: c.2186G>A on transcript NM_198525.3 (MANE Select); coding-DNA position 2186, G replaced by A.
Protein change: p.Arg729His; replaces arginine 729 with histidine.
Molecular consequence: missense variant.
Genome position (GRCh38, 1-based): chr15:89,645,018, C>T on the plus strand (G>A on the coding strand, the complement: KIF7 is on the minus strand). VCF-style: chr15-89645018-C-T. GRCh37 (hg19) VCF-style: chr15-90188249-C-T.
Other names: short protein forms R729H.
Identifiers: ClinVar variation 834241 (VCV000834241.8), dbSNP rs142420701, ClinGen allele CA7728298.
Genomic context (GRCh38, chr15:89,645,018, plus strand): 5'-GTAACGATGAGAAGTCCCCCTCGGGTGAGAGGCCCACCTGATGCCCACGCCTCACCTGTG[C>T]GGACCAGCTCGCCAATAAGCTCCTCCTTCATGCGGATGTTGATAGCCAGCTCCCGGATCT-3'
Protein context (NP_940927.2, residues 719-739): MKEELIGELV[Arg729His]TGKAAQALNR